The following is an entry in ClinVar:

ClinVar aggregate classification (germline): Uncertain significance (1 of 4 stars; one submission).

Conditions:
Duchenne muscular dystrophy (DMD). Also called: MUSCULAR DYSTROPHY, PSEUDOHYPERTROPHIC PROGRESSIVE, DUCHENNE TYPE; Duchenne Muscular Dystrophy (DMD). Identifiers: Orphanet 98896, MedGen C0013264, MONDO:0010679, OMIM 310200.

Submission:

Labcorp Genetics (formerly Invitae), Labcorp
Classification: Uncertain significance for Duchenne muscular dystrophy. Last evaluated: 2022-07-19. Review status: criteria provided, single submitter. Criteria: Invitae Variant Classification Sherloc (09022015). Collection method: clinical testing. Allele origin: germline.
Comment: This variant is not present in population databases (gnomAD no frequency). This sequence change replaces serine, which is neutral and polar, with arginine, which is basic and polar, at codon 521 of the DMD protein (p.Ser521Arg). In summary, the available evidence is currently insufficient to determine the role of this variant in disease. Therefore, it has been classified as a Variant of Uncertain Significance. Algorithms developed to predict the effect of missense changes on protein structure and function (SIFT, PolyPhen-2, Align-GVGD) all suggest that this variant is likely to be disruptive. This variant has not been reported in the literature in individuals affected with DMD-related conditions.

NM_004006.3(DMD):c.1563T>G (p.Ser521Arg)

Gene: DMD (dystrophin; minus strand). Cytogenetic location: Xp21.1.
Variant type: single nucleotide variant.
Coding change: c.1563T>G on transcript NM_004006.3 (MANE Select); coding-DNA position 1563, T replaced by G.
Protein change: p.Ser521Arg; replaces serine 521 with arginine.
Molecular consequence: missense variant.
Genome position (GRCh38, 1-based): chrX:32,595,796, A>C on the plus strand (T>G on the coding strand, the complement: DMD is on the minus strand). VCF-style: chrX-32595796-A-C. GRCh37 (hg19) VCF-style: chrX-32613913-A-C.
Other names: c.1539T>G, p.Ser513Arg (NM_000109.4); c.1551T>G, p.Ser517Arg (NM_004009.3); c.1194T>G, p.Ser398Arg (NM_004010.3); short protein forms S513R, S398R, S517R, S521R.
Identifiers: ClinVar variation 2068069 (VCV002068069.4), dbSNP rs1355952047, ClinGen allele CA412665403.
Genomic context (GRCh38, chrX:32,595,796, plus strand): 5'-TACTAAGCAAAATAATCTGACCTTAAGTTGTTCTTCCAAAGCAGCAGTTGCGTGATCTCC[A>C]CTAGATTCATCAACTACCACCACCATGTGAGTGAGAGAATTGACCCTGACTTGTTCTTGT-3'
Protein context (NP_003997.2, residues 511-531): THMVVVVDES[Ser521Arg]GDHATAALEE